The following is an entry in ClinVar:

ClinVar aggregate classification (germline): Uncertain significance (1 of 4 stars; one submission).

Conditions:
Juvenile polyposis syndrome (JPS). Identifiers: Orphanet 2929, MedGen C0345893, MONDO:0017380, OMIM 174900.

Submission:

Labcorp Genetics (formerly Invitae), Labcorp
Classification: Uncertain significance for Juvenile polyposis syndrome. Last evaluated: 2022-12-15. Review status: criteria provided, single submitter. Criteria: Invitae Variant Classification Sherloc (09022015). Collection method: clinical testing. Allele origin: germline.
Comment: This sequence change replaces glutamic acid, which is acidic and polar, with aspartic acid, which is acidic and polar, at codon 134 of the SMAD4 protein (p.Glu134Asp). This variant is not present in population databases (gnomAD no frequency). This variant has not been reported in the literature in individuals affected with SMAD4-related conditions. Advanced modeling of protein sequence and biophysical properties (such as structural, functional, and spatial information, amino acid conservation, physicochemical variation, residue mobility, and thermodynamic stability) performed at Invitae indicates that this missense variant is not expected to disrupt SMAD4 protein function. In summary, the available evidence is currently insufficient to determine the role of this variant in disease. Therefore, it has been classified as a Variant of Uncertain Significance.

NM_005359.6(SMAD4):c.402A>C (p.Glu134Asp)

Gene: SMAD4 (SMAD family member 4; plus strand). Cytogenetic location: 18q21.2.
Variant type: single nucleotide variant.
Coding change: c.402A>C on transcript NM_005359.6 (MANE Select); coding-DNA position 402, A replaced by C.
Protein change: p.Glu134Asp; replaces glutamic acid 134 with aspartic acid.
Molecular consequence: missense variant. On other transcripts: non-coding transcript variant (2).
Genome position (GRCh38, 1-based): chr18:51,048,838, A>C. VCF-style: chr18-51048838-A-C. GRCh37 (hg19) VCF-style: chr18-48575208-A-C.
Other names: c.402A>C, p.Glu134Asp (NM_001407041.1, NM_001407042.1, NM_001407043.1); short protein forms E134D.
Identifiers: ClinVar variation 2820940 (VCV002820940.3), dbSNP rs1599182556, ClinGen allele CA402458786.
Genomic context (GRCh38, chr18:51,048,838, plus strand): 5'-TTGTCAGTATGCGTTTGACTTAAAATGTGATAGTGTCTGTGTGAATCCATATCACTACGA[A>C]CGAGTTGTATCACCTGGAATTGGTAAGTAGACTTTGCTTTCATCCTAAGAAACATAAAGG-3'
Protein context (NP_005350.1, residues 124-144): DSVCVNPYHY[Glu134Asp]RVVSPGIDLS